The following is an entry in ClinVar:

NM_001009944.3(PKD1):c.3372C>T (p.Ala1124=)

Gene: PKD1 (polycystin 1, transient receptor potential channel interacting; minus strand). Cytogenetic location: 16p13.3.
Variant type: single nucleotide variant.
Coding change: c.3372C>T on transcript NM_001009944.3 (MANE Select); coding-DNA position 3372, C replaced by T.
Protein change: p.Ala1124=; no amino-acid change (alanine 1124 retained).
Molecular consequence: synonymous variant.
Genome position (GRCh38, 1-based): chr16:2,111,795, G>A on the plus strand (C>T on the coding strand, the complement: PKD1 is on the minus strand). VCF-style: chr16-2111795-G-A. GRCh37 (hg19) VCF-style: chr16-2161796-G-A.
Other names: p.Ala1124=; c.3372C>T, p.Ala1124= (NM_000296.4).
Identifiers: ClinVar variation 256949 (VCV000256949.24), dbSNP rs75510884, ClinGen allele CA7832793.

ClinVar aggregate classification (germline): Benign. Review status: criteria provided, multiple submitters, no conflicts (2 of 4 stars). 11 submissions from 11 submitters: Benign (10). 1 of the submissions does not count toward it. Last evaluated 2025-03-27.

Conditions:
Autosomal dominant polycystic kidney disease. Identifiers: Orphanet 730, MedGen C0085413, MONDO:0004691.
Polycystic kidney disease, adult type (PKD1). Also called: Polycystic Kidney, Autosomal Dominant; Polycystic Kidney Disease 1, Autosomal Dominant; Polycystic kidney disease 1; Polycystic kidney disease 1, severe; POLYCYSTIC KIDNEY DISEASE 1 WITH OR WITHOUT POLYCYSTIC LIVER DISEASE; POLYCYSTIC KIDNEY DISEASE, ADULT, TYPE I. Identifiers: MedGen C3149841, MONDO:0008263, OMIM 173900.
Polycystic kidney disease. Also called: Polycystic kidney dysplasia; Kidney, Polycystic. Identifiers: MedGen C0022680, MeSH D007690, MONDO:0020642, HP:0000113.

Allele frequency attached by ClinVar (database versions not stated): gnomAD 0.13957 and 0.14645; ESP Exome Variant Server 0.14613; TOPMed 0.15101; gnomAD exomes 0.08881; ExAC 0.10660; 1000 Genomes Project 0.11462; 1000 Genomes Project 30x 0.12071.
gnomAD v4.1: 159,908 of 1,608,608 alleles (9.9%); highest among the groups gnomAD compares: African/African-American, 27%; 9,736 homozygotes.

Submissions (11):

Women's Health and Genetics/Laboratory Corporation of America, LabCorp
Classification: Benign. Last evaluated: 2025-03-27. Review status: criteria provided, single submitter. Criteria: LabCorp Variant Classification Summary - May 2015. Collection method: clinical testing. Allele origin: germline.

Blueprint Genetics
Classification: Benign. Last evaluated: 2024-11-27. Review status: criteria provided, single submitter. Criteria: ACMG Guidelines, 2015. Collection method: clinical testing. Allele origin: germline.

Mayo Clinic Laboratories, Mayo Clinic
Classification: Benign. Last evaluated: 2022-04-26. Review status: criteria provided, single submitter. Criteria: ACMG Guidelines, 2015. Collection method: clinical testing. Allele origin: germline. Observed: 192 variant alleles.

Athena Diagnostics
Classification: Benign. Last evaluated: 2021-06-04. Review status: criteria provided, single submitter. Criteria: Athena Diagnostics criteria. Collection method: clinical testing. Allele origin: unknown.

ARUP Laboratories, Molecular Genetics and Genomics, ARUP Laboratories
Classification: Benign for Polycystic kidney disease, adult type. Last evaluated: 2020-07-07. Review status: criteria provided, single submitter. Criteria: ARUP Molecular Germline Variant Investigation Process. Collection method: clinical testing. Allele origin: germline.

GeneDx
Classification: Benign. Last evaluated: 2019-09-25. Review status: criteria provided, single submitter. Criteria: GeneDx Variant Classification Process June 2021. Collection method: clinical testing. Allele origin: germline. Affected: yes.
Comment: This variant is associated with the following publications: (PMID: 11967008)

Molecular Genetics of Inherited Kidney Disorders Laboratory, Garvan Institute of Medical Research
Classification: Benign for Autosomal dominant polycystic kidney disease. Last evaluated: 2019-01-01. Review status: criteria provided, single submitter. Criteria: ACMG Guidelines, 2015. Collection method: research. Allele origin: germline. Affected: yes.

Eurofins Ntd Llc (ga)
Classification: Benign. Last evaluated: 2017-02-01. Review status: criteria provided, single submitter. Criteria: EGL Classification Definitions 2015. Collection method: clinical testing. Allele origin: germline. Observed: 1 variant allele, 1 heterozygote.

Breakthrough Genomics
Classification: Benign. Review status: criteria provided, single submitter. Criteria: ACMG Guidelines, 2015. Collection method: not provided. Allele origin: germline. Inheritance: Autosomal dominant inheritance. Affected: yes.

PreventionGenetics, part of Exact Sciences
Classification: Benign. Review status: criteria provided, single submitter. Criteria: ACMG Guidelines, 2015. Collection method: clinical testing. Allele origin: germline.

Department of Pathology and Laboratory Medicine, Sinai Health System
Classification: Benign for Polycystic Kidney disease. Review status: no assertion criteria provided. Collection method: clinical testing. Allele origin: unknown. Affected: yes. Study: The Canadian Open Genetics Repository (COGR). Not counted in ClinVar's aggregate classification.
Comment: The c.3372C>T, p.Ala1124Ala variant was identified in10.66% of 10299 control alleles in the Exome Aggregation Consortium (March 14, 2016). According to ACMG guidelines for variant classification based on allele frequency, category BA1, this variant is considered benign and has not been further reviewed (Richards 2015).